The following is an entry in ClinVar:

ClinVar aggregate classification (germline): Uncertain significance (1 of 4 stars; one submission).

Conditions:
Familial hypercholesterolemia. Also called: Familial hypercholesterolaemia. Identifiers: MedGen C0020445, MONDO:0005439.

Submission:

Color Diagnostics, LLC DBA Color Health
Classification: Uncertain significance for Familial hypercholesterolemia. Last evaluated: 2024-01-29. Review status: criteria provided, single submitter. Criteria: ACMG Guidelines, 2015. Collection method: clinical testing. Allele origin: germline.
Comment: This variant causes a substitution of 3 nucleotides at the -7 to -9 position in intron 4 of the PCSK9 gene. To our knowledge, functional studies have not been reported for this variant. This variant has not been reported in individuals affected with PCSK9-related disorders in the literature. This variant has not been identified in the general population by the Genome Aggregation Database (gnomAD). The available evidence is insufficient to determine the role of this variant in disease conclusively. Therefore, this variant is classified as a Variant of Uncertain Significance.

NM_174936.4(PCSK9):c.658-9_658-7delinsATT

Gene: PCSK9 (proprotein convertase subtilisin/kexin type 9; plus strand). Cytogenetic location: 1p32.3.
Variant type: Indel.
Coding change: c.658-9_658-7delinsATT on transcript NM_174936.4 (MANE Select); 9 bases into the intron before coding-DNA position 658 through 7 bases into the intron before coding-DNA position 658, GTC replaced by ATT.
Molecular consequence: intron variant.
Genome position (GRCh38, 1-based): chr1:55,052,641-55,052,643, GTC replaced by ATT. VCF-style: chr1-55052641-GTC-ATT. GRCh37 (hg19) VCF-style: chr1-55518314-GTC-ATT.
Identifiers: ClinVar variation 920201 (VCV000920201.5), dbSNP rs1644683877, ClinGen allele CA1139656133.
Genomic context (GRCh38, chr1:55,052,641, plus strand): 5'-GCCACCTGCTGATTTGTTATAGGGTGGAGGGGGGGTCTTTCTCATGTGGTCCTTGTGTTC[GTC>ATT]GAGCAGGCCAGCAAGTGTGACAGTCATGGCACCCACCTGGCAGGGGTGGTCAGCGGCCGG-3'